The following is an entry in ClinVar:

ClinVar aggregate classification (germline): Uncertain significance (1 of 4 stars; one submission).

Submission:

Labcorp Genetics (formerly Invitae), Labcorp
Classification: Uncertain significance. Last evaluated: 2022-08-11. Review status: criteria provided, single submitter. Criteria: Invitae Variant Classification Sherloc (09022015). Collection method: clinical testing. Allele origin: germline.
Comment: This variant has not been reported in the literature in individuals affected with MTOR-related conditions. This sequence change replaces alanine, which is neutral and non-polar, with valine, which is neutral and non-polar, at codon 1486 of the MTOR protein (p.Ala1486Val). This variant is not present in population databases (gnomAD no frequency). Advanced modeling of protein sequence and biophysical properties (such as structural, functional, and spatial information, amino acid conservation, physicochemical variation, residue mobility, and thermodynamic stability) performed at Invitae indicates that this missense variant is expected to disrupt MTOR protein function. In summary, the available evidence is currently insufficient to determine the role of this variant in disease. Therefore, it has been classified as a Variant of Uncertain Significance.

NM_004958.4(MTOR):c.4457C>T (p.Ala1486Val)

Gene: MTOR (mechanistic target of rapamycin kinase; minus strand). Cytogenetic location: 1p36.22.
Variant type: single nucleotide variant.
Coding change: c.4457C>T on transcript NM_004958.4 (MANE Select); coding-DNA position 4457, C replaced by T.
Protein change: p.Ala1486Val; replaces alanine 1486 with valine.
Molecular consequence: missense variant.
Genome position (GRCh38, 1-based): chr1:11,157,164, G>A on the plus strand (C>T on the coding strand, the complement: MTOR is on the minus strand). VCF-style: chr1-11157164-G-A. GRCh37 (hg19) VCF-style: chr1-11217221-G-A.
Other names: c.4457C>T, p.Ala1486Val (NM_001386500.1); c.3209C>T, p.Ala1070Val (NM_001386501.1); short protein forms A1070V, A1486V.
Identifiers: ClinVar variation 1716126 (VCV001716126.5), dbSNP rs2100566943, ClinGen allele CA338371512.
Genomic context (GRCh38, chr1:11,157,164, plus strand): 5'-AGACGAAGTCTCTTGCAGCCACACATGCCATCATTCTAGGAAGCTCACCATTCCCCCAAG[G>A]CCTCGAGGCAGCGCATGCGGCCCAGCATCAGCTCTGGGTCGTCCTTGTTGGTGTCCATTT-3'
Protein context (NP_004949.1, residues 1476-1496): LMLGRMRCLE[Ala1486Val]LGEWGQLHQQ